The following is an entry in ClinVar:

ClinVar aggregate classification (germline): Uncertain significance. Review status: criteria provided, multiple submitters, no conflicts (2 of 4 stars). 4 submissions from 4 submitters: Uncertain significance (3). 1 of the submissions does not count toward it. Last evaluated 2026-02-20.

Conditions:
Inborn genetic diseases. Identifiers: MedGen C0950123, MeSH D030342.
Cohen syndrome (COH1). Also called: PEPPER SYNDROME; Cutis verticis gyrata, retinitis pigmentosa, and sensorineural deafness. Identifiers: Orphanet 193, MedGen C0265223, MONDO:0008999, OMIM 216550.
VPS13B-related disorder. Also called: VPS13B-related condition.

Allele frequency attached by ClinVar (database versions not stated): gnomAD exomes below 0.00001; ExAC 0.00001; gnomAD 0.00001; TOPMed 0.00002.
gnomAD v4.1: 2 of 1,612,242 alleles (0.00012%); highest among the groups gnomAD compares: Admixed American, 0.0033%; no homozygotes.

Submissions (4):

PreventionGenetics, part of Exact Sciences
Classification: Uncertain significance for VPS13B-related condition. Last evaluated: 2026-02-20. Review status: criteria provided, single submitter. Criteria: ACMG Guidelines, 2015. Collection method: clinical testing. Allele origin: germline.
Comment: The VPS13B c.5249A>G variant is predicted to result in the amino acid substitution p.Asp1750Gly. To our knowledge, this variant has not been reported in the literature. This variant is reported in 0.0029% of alleles in individuals of Latino descent in gnomAD. At this time, the clinical significance of this variant is uncertain due to the absence of conclusive functional and genetic evidence.

Ambry Genetics
Classification: Uncertain significance for Inborn genetic diseases. Last evaluated: 2024-11-10. Review status: criteria provided, single submitter. Criteria: Ambry Variant Classification Scheme 2023. Collection method: clinical testing. Allele origin: germline.

Labcorp Genetics (formerly Invitae), Labcorp
Classification: Uncertain significance for Cohen syndrome. Last evaluated: 2021-10-10. Review status: criteria provided, single submitter. Criteria: Invitae Variant Classification Sherloc (09022015). Collection method: clinical testing. Allele origin: germline.
Comment: This sequence change replaces aspartic acid with glycine at codon 1775 of the VPS13B protein (p.Asp1775Gly). The aspartic acid residue is moderately conserved and there is a moderate physicochemical difference between aspartic acid and glycine. This variant is present in population databases (rs767031340, ExAC 0.009%). This variant has not been reported in the literature in individuals affected with VPS13B-related conditions. ClinVar contains an entry for this variant (Variation ID: 589523). Algorithms developed to predict the effect of missense changes on protein structure and function are either unavailable or do not agree on the potential impact of this missense change (SIFT: "Not Available"; PolyPhen-2: "Probably Damaging"; Align-GVGD: "Not Available"). Algorithms developed to predict the effect of sequence changes on RNA splicing suggest that this variant may create or strengthen a splice site. In summary, the available evidence is currently insufficient to determine the role of this variant in disease. Therefore, it has been classified as a Variant of Uncertain Significance.

Natera, Inc.
Classification: Uncertain significance for Cohen syndrome. Last evaluated: 2021-09-08. Review status: no assertion criteria provided. Collection method: clinical testing. Allele origin: germline. Not counted in ClinVar's aggregate classification.

NM_152564.5(VPS13B):c.5249A>G (p.Asp1750Gly)

Gene: VPS13B (vacuolar protein sorting 13 homolog B; plus strand). Cytogenetic location: 8q22.2.
Variant type: single nucleotide variant.
Coding change: c.5249A>G on transcript NM_152564.5 (MANE Select); coding-DNA position 5249, A replaced by G.
Protein change: p.Asp1750Gly; replaces aspartic acid 1750 with glycine.
Molecular consequence: missense variant.
Genome position (GRCh38, 1-based): chr8:99,641,839, A>G. VCF-style: chr8-99641839-A-G. GRCh37 (hg19) VCF-style: chr8-100654067-A-G.
Other names: c.5249A>G (NM_152564.4); c.5324A>G, p.Asp1775Gly (NM_017890.5); short protein forms D1750G, D1775G.
Identifiers: ClinVar variation 589523 (VCV000589523.14), dbSNP rs767031340, ClinGen allele CA4823794.